The following is an entry in ClinVar:

NM_001081.4(CUBN):c.1924G>A (p.Asp642Asn)

Gene: CUBN (cubilin; minus strand). Cytogenetic location: 10p13.
Variant type: single nucleotide variant.
Coding change: c.1924G>A on transcript NM_001081.4 (MANE Select); coding-DNA position 1924, G replaced by A.
Protein change: p.Asp642Asn; replaces aspartic acid 642 with asparagine.
Molecular consequence: missense variant.
Genome position (GRCh38, 1-based): chr10:17,088,187, C>T on the plus strand (G>A on the coding strand, the complement: CUBN is on the minus strand). VCF-style: chr10-17088187-C-T. GRCh37 (hg19) VCF-style: chr10-17130186-C-T.
Other names: short protein forms D642N.
Identifiers: ClinVar variation 2413887 (VCV002413887.6), dbSNP rs771587254, ClinGen allele CA5425162.
Genomic context (GRCh38, chr10:17,088,187, plus strand): 5'-ATATTGTGATATGTTCTATCTAAATATAATTATTTACCTCAAGGTAATCTTTGTTGCAGT[C>T]ATCATGGTGCTCGAGGCTCAAGGTCCCAAAAGTAAATGTTACCAGGAGGTCAGGACTAGT-3'
Protein context (NP_001072.2, residues 632-652): FGTLSLEHHD[Asp642Asn]CNKDYLEIRD

ClinVar aggregate classification (germline): Uncertain significance (1 of 4 stars; one submission).

Conditions:
Imerslund-Grasbeck syndrome. Also called: Imerslund-Gräsbeck syndrome; ENTEROCYTE COBALAMIN MALABSORPTION; ENTEROCYTE INTRINSIC FACTOR RECEPTOR, DEFECT OF; PERNICIOUS ANEMIA, JUVENILE, DUE TO SELECTIVE INTESTINAL MALABSORPTION OF VITAMIN B12, WITH PROTEINURIA; Megaloblastic anemia due to inborn errors of metabolism. Identifiers: Orphanet 35858, MedGen C4551825, MONDO:0009853.

Allele frequency attached by ClinVar (database versions not stated): gnomAD 0.00001; TOPMed 0.00001; ExAC 0.00002.
gnomAD v4.1: 2 of 1,613,284 alleles (0.00012%); highest among the groups gnomAD compares: African/African-American, 0.0027%; no homozygotes.

Submission:

Labcorp Genetics (formerly Invitae), Labcorp
Classification: Uncertain significance for Imerslund-Grasbeck syndrome. Last evaluated: 2022-06-29. Review status: criteria provided, single submitter. Criteria: Invitae Variant Classification Sherloc (09022015). Collection method: clinical testing. Allele origin: germline.
Comment: In summary, the available evidence is currently insufficient to determine the role of this variant in disease. Therefore, it has been classified as a Variant of Uncertain Significance. Algorithms developed to predict the effect of missense changes on protein structure and function output the following: SIFT: "Tolerated"; PolyPhen-2: "Benign"; Align-GVGD: "Class C0". The asparagine amino acid residue is found in multiple mammalian species, which suggests that this missense change does not adversely affect protein function. This variant has not been reported in the literature in individuals affected with CUBN-related conditions. This variant is present in population databases (rs771587254, gnomAD 0.01%). This sequence change replaces aspartic acid, which is acidic and polar, with asparagine, which is neutral and polar, at codon 642 of the CUBN protein (p.Asp642Asn).